The following is an entry in ClinVar:

ClinVar aggregate classification (germline): Benign. Review status: criteria provided, single submitter (1 of 4 stars). 2 submissions from 2 submitters: Benign (1). 1 of the submissions does not count toward it. Last evaluated 2024-11-27.

Conditions:
TMEM260-related disorder. Also called: TMEM260-related condition.

Allele frequency attached by ClinVar (database versions not stated): 1000 Genomes Project 0.10883; 1000 Genomes Project 30x 0.10884; TOPMed 0.11771; ESP Exome Variant Server 0.12840.
gnomAD v4.1: 201,171 of 1,613,614 alleles (12%); highest among the groups gnomAD compares: Middle Eastern, 14%; 13,397 homozygotes.

Submissions (2):

Blueprint Genetics
Classification: Benign. Last evaluated: 2024-11-27. Review status: criteria provided, single submitter. Criteria: ACMG Guidelines, 2015. Collection method: clinical testing. Allele origin: germline.

PreventionGenetics, part of Exact Sciences
Classification: Benign for TMEM260-related condition. Last evaluated: 2019-11-16. Review status: no assertion criteria provided. Collection method: clinical testing. Allele origin: germline. Not counted in ClinVar's aggregate classification.
Comment: This variant is classified as benign based on ACMG/AMP sequence variant interpretation guidelines (Richards et al. 2015 PMID: 25741868, with internal and published modifications).

NM_017799.4(TMEM260):c.733G>T (p.Ala245Ser)

Gene: TMEM260 (transmembrane protein 260; plus strand). Cytogenetic location: 14q22.3.
Variant type: single nucleotide variant.
Coding change: c.733G>T on transcript NM_017799.4 (MANE Select); coding-DNA position 733, G replaced by T.
Protein change: p.Ala245Ser; replaces alanine 245 with serine.
Molecular consequence: missense variant.
Genome position (GRCh38, 1-based): chr14:56,609,202, G>T. VCF-style: chr14-56609202-G-T. GRCh37 (hg19) VCF-style: chr14-57075920-G-T.
Other names: short protein forms A245S.
Identifiers: ClinVar variation 3056063 (VCV003056063.3), dbSNP rs17776256, ClinGen allele CA7199845.